The following is an entry in ClinVar:

NM_001457.4(FLNB):c.5854T>A (p.Cys1952Ser)

Gene: FLNB (filamin B; plus strand). Cytogenetic location: 3p14.3.
Variant type: single nucleotide variant.
Coding change: c.5854T>A on transcript NM_001457.4 (MANE Select); coding-DNA position 5854, T replaced by A.
Protein change: p.Cys1952Ser; replaces cysteine 1952 with serine.
Molecular consequence: missense variant.
Genome position (GRCh38, 1-based): chr3:58,148,331, T>A. VCF-style: chr3-58148331-T-A. GRCh37 (hg19) VCF-style: chr3-58134058-T-A.
Other names: c.5947T>A, p.Cys1983Ser (NM_001164317.2); c.5821T>A, p.Cys1941Ser (NM_001164318.2); c.5782T>A, p.Cys1928Ser (NM_001164319.2); short protein forms C1928S, C1941S, C1952S, C1983S.
Identifiers: ClinVar variation 5006686 (VCV005006686.2).

ClinVar aggregate classification (germline): Uncertain significance (1 of 4 stars; one submission).

Conditions:
Spondylocarpotarsal synostosis syndrome (SCT). Also called: SPONDYLOCARPOTARSAL SYNDROME; VERTEBRAL FUSION WITH CARPAL COALITION; Spondylocarpotarsal Synostosis Syndrome (FLNB-SCT); Synspondylism congenital; Scoliosis, congenital with unilateral unsegmented bar. Identifiers: Orphanet 3275, MedGen C1848934, MONDO:0010094, OMIM 272460.
Boomerang dysplasia. Identifiers: Orphanet 1263, MedGen C0432201, MONDO:0007208, OMIM 112310.
Atelosteogenesis type I. Also called: SPONDYLOHUMEROFEMORAL HYPOPLASIA; GIANT CELL CHONDRODYSPLASIA; Atelosteogenesis Type 1 (FLNB-AO1). Identifiers: Orphanet 1190, MedGen C0265283, MONDO:0007167, OMIM 108720.
Atelosteogenesis type III. Also called: Atelosteogenesis Type 3 (FLNB-AO3). Identifiers: Orphanet 56305, MedGen C3668942, MONDO:0007168, OMIM 108721.
Larsen syndrome (LRS). Also called: Larsen syndrome (FLNB-LS); Bilateral dislocation of the knees, pes cavus, cylindrically shaped fingers and characteristic facies. Identifiers: Orphanet 503, MedGen C0175778, MONDO:0007875, OMIM 150250. Disease mechanism: loss of function.

Submission:

Juno Genomics, Hangzhou Juno Genomics, Inc
Classification: Uncertain significance for Atelosteogenesis type I; Atelosteogenesis type III; Boomerang dysplasia; Larsen syndrome; Spondylocarpotarsal synostosis syndrome. Review status: criteria provided, single submitter. Criteria: ACMG Guidelines, 2015. Collection method: clinical testing. Allele origin: germline.
Comment: Missense variant in a gene that has a low rate of benign missense variation.;Multiple lines of computational evidence support a deleterious effect on the gene or gene product.;Absent from controls (or at extremely low frequency if recessive) in Genome Aggregation Database.